The following is an entry in ClinVar:

ClinVar aggregate classification (germline): Uncertain significance. Review status: criteria provided, multiple submitters, no conflicts (2 of 4 stars). 2 submissions from 2 submitters: Uncertain significance (2). Last evaluated 2025-02-18.

Conditions:
Autosomal dominant nocturnal frontal lobe epilepsy 5. Also called: Epilepsy, nocturnal frontal lobe, 5; CILIARY DYSKINESIA, PRIMARY, 28, WITHOUT SITUS INVERSUS; CILIARY DYSKINESIA, PRIMARY, 28, WITH SITUS INVERSUS; KCNT1-Related Epilepsy. Identifiers: Orphanet 98784, MedGen C3554306, MONDO:0014002, OMIM 615005.
Developmental and epileptic encephalopathy, 14 (DEE14). Also called: Early infantile epileptic encephalopathy 14. Identifiers: Orphanet 293181, MedGen C3554195, MONDO:0013989, OMIM 614959.

Allele frequency attached by ClinVar (database versions not stated): gnomAD exomes 0.00002.
gnomAD v4.1: 28 of 1,613,620 alleles (0.0017%); highest among the groups gnomAD compares: Non-Finnish European, 0.0022%; no homozygotes.

Submissions (2):

Labcorp Genetics (formerly Invitae), Labcorp
Classification: Uncertain significance for Autosomal dominant nocturnal frontal lobe epilepsy 5; Developmental and epileptic encephalopathy, 14. Last evaluated: 2025-02-18. Review status: criteria provided, single submitter. Criteria: Invitae Variant Classification Sherloc (09022015). Collection method: clinical testing. Allele origin: germline.
Comment: This sequence change replaces aspartic acid, which is acidic and polar, with asparagine, which is neutral and polar, at codon 620 of the KCNT1 protein (p.Asp620Asn). This variant is not present in population databases (gnomAD no frequency). This variant has not been reported in the literature in individuals affected with KCNT1-related conditions. ClinVar contains an entry for this variant (Variation ID: 2659716). Invitae Evidence Modeling of protein sequence and biophysical properties (such as structural, functional, and spatial information, amino acid conservation, physicochemical variation, residue mobility, and thermodynamic stability) has been performed for this missense variant. However, the output from this modeling did not meet the statistical confidence thresholds required to predict the impact of this variant on KCNT1 protein function. In summary, the available evidence is currently insufficient to determine the role of this variant in disease. Therefore, it has been classified as a Variant of Uncertain Significance.

CeGaT Center for Human Genetics Tuebingen
Classification: Uncertain significance. Last evaluated: 2023-02-01. Review status: criteria provided, single submitter. Criteria: CeGaT Center For Human Genetics Tuebingen Variant Classification Criteria Version 2. Collection method: clinical testing. Allele origin: germline. Affected: yes. Observed: 1 variant allele.
Comment: KCNT1: PM2

NM_020822.3(KCNT1):c.1858G>A (p.Asp620Asn)

Gene: KCNT1 (potassium sodium-activated channel subfamily T member 1; plus strand). Cytogenetic location: 9q34.3.
Variant type: single nucleotide variant.
Coding change: c.1858G>A on transcript NM_020822.3 (MANE Select); coding-DNA position 1858, G replaced by A.
Protein change: p.Asp620Asn; replaces aspartic acid 620 with asparagine.
Molecular consequence: missense variant.
Genome position (GRCh38, 1-based): chr9:135,770,945, G>A. VCF-style: chr9-135770945-G-A. GRCh37 (hg19) VCF-style: chr9-138662791-G-A.
Other names: c.1723G>A, p.Asp575Asn (NM_001272003.2); short protein forms D575N, D620N.
Identifiers: ClinVar variation 2659716 (VCV002659716.25), dbSNP rs2490971293, ClinGen allele CA375508302.